The following is an entry in ClinVar:

NM_004655.4(AXIN2):c.2094G>T (p.Glu698Asp)

Gene: AXIN2 (axin 2; minus strand). Cytogenetic location: 17q24.1.
Variant type: single nucleotide variant.
Coding change: c.2094G>T on transcript NM_004655.4 (MANE Select); coding-DNA position 2094, G replaced by T.
Protein change: p.Glu698Asp; replaces glutamic acid 698 with aspartic acid.
Molecular consequence: missense variant.
Genome position (GRCh38, 1-based): chr17:65,536,367, C>A on the plus strand (G>T on the coding strand, the complement: AXIN2 is on the minus strand). VCF-style: chr17-65536367-C-A. GRCh37 (hg19) VCF-style: chr17-63532485-C-A.
Other names: c.2094G>T (LRG_296t1); c.1899G>T, p.Glu633Asp (NM_001363813.1); short protein forms E633D, E698D.
Identifiers: ClinVar variation 664396 (VCV000664396.9), dbSNP rs1598096689, ClinGen allele CA400676000.

ClinVar aggregate classification (germline): Uncertain significance. Review status: criteria provided, multiple submitters, no conflicts (2 of 4 stars). 2 submissions from 2 submitters: Uncertain significance (2). Last evaluated 2023-12-04.

Conditions:
Hereditary cancer-predisposing syndrome. Also called: Tumor predisposition; Hereditary neoplastic syndrome; Neoplastic Syndromes, Hereditary; Hereditary Cancer Syndrome. Identifiers: Orphanet 140162, MedGen C0027672, MeSH D009386, MONDO:0015356.
Oligodontia-cancer predisposition syndrome. Also called: TOOTH AGENESIS-COLORECTAL CANCER SYNDROME. Identifiers: Orphanet 300576, MedGen C1837750, MONDO:0012075, OMIM 608615. Disease mechanism: loss of function.

gnomAD v4.1: 1 of 1,613,670 alleles (0.000062%); highest among the groups gnomAD compares: Non-Finnish European, 0.000085%; no homozygotes.

Submissions (2):

Ambry Genetics
Classification: Uncertain significance for Hereditary cancer-predisposing syndrome. Last evaluated: 2023-12-04. Review status: criteria provided, single submitter. Criteria: Ambry Variant Classification Scheme 2023. Collection method: clinical testing. Allele origin: germline.
Comment: The p.E698D variant (also known as c.2094G>T), located in coding exon 7 of the AXIN2 gene, results from a G to T substitution at nucleotide position 2094. The glutamic acid at codon 698 is replaced by aspartic acid, an amino acid with highly similar properties. This amino acid position is conserved. In addition, the in silico prediction for this alteration is inconclusive. Since supporting evidence is limited at this time, the clinical significance of this alteration remains unclear.

Labcorp Genetics (formerly Invitae), Labcorp
Classification: Uncertain significance for Oligodontia-cancer predisposition syndrome. Last evaluated: 2018-12-07. Review status: criteria provided, single submitter. Criteria: Invitae Variant Classification Sherloc (09022015). Collection method: clinical testing. Allele origin: germline.
Comment: In summary, the available evidence is currently insufficient to determine the role of this variant in disease. Therefore, it has been classified as a Variant of Uncertain Significance. Algorithms developed to predict the effect of missense changes on protein structure and function are either unavailable or do not agree on the potential impact of this missense change (SIFT: "Tolerated"; PolyPhen-2: "Possibly Damaging"; Align-GVGD: "Class C0"). This variant has not been reported in the literature in individuals with AXIN2-related conditions. This variant is not present in population databases (ExAC no frequency). This sequence change replaces glutamic acid with aspartic acid at codon 698 of the AXIN2 protein (p.Glu698Asp). The glutamic acid residue is highly conserved and there is a small physicochemical difference between glutamic acid and aspartic acid.